The following is an entry in ClinVar:

NM_000257.4(MYH7):c.2644C>T (p.Gln882Ter)

Genes: MYH7 (myosin heavy chain 7; minus strand), LOC126861898 (BRD4-independent group 4 enhancer GRCh37_chr14:23893609-23894808; plus strand). Cytogenetic location: 14q11.2.
Variant type: single nucleotide variant.
Coding change: c.2644C>T on transcript NM_000257.4 (MANE Select); coding-DNA position 2644, C replaced by T.
Protein change: p.Gln882Ter; replaces glutamine 882 with a stop codon.
Molecular consequence: nonsense.
Genome position (GRCh38, 1-based): chr14:23,424,804, G>A on the plus strand (C>T on the coding strand, the complement: MYH7 is on the minus strand). VCF-style: chr14-23424804-G-A. GRCh37 (hg19) VCF-style: chr14-23894013-G-A.
Other names: c.2644C>T, p.Gln882Ter (NM_001407004.1); short protein forms Q882*.
Identifiers: ClinVar variation 3387332 (VCV003387332.1).

ClinVar aggregate classification (germline): Uncertain significance (1 of 4 stars; one submission).

Conditions:
Cardiomyopathy (CMYO). Also called: Cardiomyopathies. Identifiers: Orphanet 167848, MedGen C0878544, MONDO:0004994, HP:0001638. Inheritance: Various modes of inheritance.

gnomAD v4.1: 2 of 1,614,184 alleles (0.00012%); highest among the groups gnomAD compares: Non-Finnish European, 0.00017%; no homozygotes.

Submission:

All of Us Research Program, National Institutes of Health
Classification: Uncertain significance for Cardiomyopathy. Last evaluated: 2024-03-05. Review status: criteria provided, single submitter. Criteria: ACMG Guidelines, 2015. Collection method: clinical testing. Allele origin: germline. Inheritance: Autosomal dominant inheritance. Observed: 1 variant allele, 1 heterozygote.
Comment: This study involves interpretation of variants in research participants for the purpose of population health screening. Participant phenotype was not available at the time of variant classification. Additional details can be found in publication PMID: 35346344, PMCID: PMC8962531